The following is an entry in ClinVar:

ClinVar aggregate classification (germline): Conflicting classifications of pathogenicity. Review status: criteria provided, conflicting classifications (1 of 4 stars). 2 submissions from 2 submitters: Uncertain significance (1); Likely benign (1). Last evaluated 2025-12-28.

Conditions:
Hereditary cancer-predisposing syndrome. Also called: Tumor predisposition; Hereditary neoplastic syndrome; Hereditary Cancer Syndrome; Neoplastic Syndromes, Hereditary. Identifiers: Orphanet 140162, MedGen C0027672, MeSH D009386, MONDO:0015356.
Rhabdoid tumor predisposition syndrome 2 (RTPS2). Identifiers: Orphanet 231108, Orphanet 69077, MedGen C2750074, MONDO:0013224, OMIM 613325.

Submissions (2):

Labcorp Genetics (formerly Invitae), Labcorp
Classification: Uncertain significance for Rhabdoid tumor predisposition syndrome 2. Last evaluated: 2025-12-28. Review status: criteria provided, single submitter. Criteria: Invitae Variant Classification Sherloc (09022015). Collection method: clinical testing. Allele origin: germline.
Comment: This sequence change replaces lysine, which is basic and polar, with arginine, which is basic and polar, at codon 1391 of the SMARCA4 protein (p.Lys1391Arg). This variant is not present in population databases (gnomAD no frequency). This variant has not been reported in the literature in individuals affected with SMARCA4-related conditions. ClinVar contains an entry for this variant (Variation ID: 1461703). An algorithm developed to predict the effect of missense changes on protein structure and function (PolyPhen-2) suggests that this variant is likely to be tolerated. In summary, the available evidence is currently insufficient to determine the role of this variant in disease. Therefore, it has been classified as a Variant of Uncertain Significance.

Ambry Genetics
Classification: Likely benign for Hereditary cancer-predisposing syndrome. Last evaluated: 2024-02-07. Review status: criteria provided, single submitter. Criteria: Ambry Variant Classification Scheme 2023. Collection method: clinical testing. Allele origin: germline.

NM_001387283.1(SMARCA4):c.4172A>G (p.Lys1391Arg)

Gene: SMARCA4 (SWI/SNF related BAF chromatin remodeling complex subunit ATPase 4; plus strand). Cytogenetic location: 19p13.2.
Variant type: single nucleotide variant.
Coding change: c.4172A>G on transcript NM_001387283.1 (MANE Plus Clinical); coding-DNA position 4172, A replaced by G.
Protein change: p.Lys1391Arg; replaces lysine 1391 with arginine.
Molecular consequence: missense variant. On other transcripts: intron variant (7).
Genome position (GRCh38, 1-based): chr19:11,039,459, A>G. VCF-style: chr19-11039459-A-G. GRCh37 (hg19) VCF-style: chr19-11150135-A-G.
Other names: c.4172A>G (NM_001128849.1); c.4172A>G, p.Lys1391Arg (NM_001128849.3); c.4171-1848A>G (NM_001128844.3, NM_003072.5); c.4072-1848A>G (NM_001128847.4, NM_001374457.1, NM_001128848.2); c.4072-1839A>G (NM_001128845.2, NM_001128846.2); short protein forms K1391R.
Identifiers: ClinVar variation 1461703 (VCV001461703.9), dbSNP rs2146775051, ClinGen allele CA404071019.
Genomic context (GRCh38, chr19:11,039,459, plus strand): 5'-TAAATTAGGGCACGTTGTGCACTGAAACACTAAACAGACATTAAAAAATTTTGTTGTAGA[A>G]AATTACAGGAAAAGATATCCATGACACAGCCAGCAGTGTGGCACGTGGGCTACAATTCCA-3'
Protein context (NP_001374212.1, residues 1381-1401): DSLTEKQWLK[Lys1391Arg]ITGKDIHDTA